The following is an entry in ClinVar:

NM_025137.4(SPG11):c.6233_6239dup (p.Ser2080fs)

Gene: SPG11 (SPG11 vesicle trafficking associated, spatacsin; minus strand). Cytogenetic location: 15q21.1.
Variant type: Duplication.
Coding change: c.6233_6239dup on transcript NM_025137.4 (MANE Select); coding-DNA positions 6233 to 6239, 7 bases duplicated (AGGAAAG; older notation c.6233_6239dupAGGAAAG).
Protein change: p.Ser2080fs; shifts the reading frame from serine 2080.
Molecular consequence: frameshift variant.
Genome position (GRCh38, 1-based): chr15:44,572,787-44,572,793, CTTTCCT duplicated on the plus strand (AGGAAAG on the coding strand, the reverse complement: SPG11 is on the minus strand); duplicating any 7 consecutive bases within chr15:44,572,787-44,572,795 gives the same sequence; the c. name uses the placement nearest the transcript's 3' end. VCF-style (leftmost placement, unchanged base first): chr15-44572786-G-GCTTTCCT. GRCh37 (hg19) VCF-style: chr15-44864984-G-GCTTTCCT.
Other names: c.5894_5900dup, p.Ser1967fs (NM_001160227.2); c.6089_6095dup, p.Ser2032fs (NM_001411132.1); short protein forms S1967fs, S2032fs, S2080fs.
Identifiers: ClinVar variation 4293798 (VCV004293798.1).

ClinVar aggregate classification (germline): Likely pathogenic (1 of 4 stars; one submission).

Conditions:
SPG11-related disorder. Also called: SPG11-related condition.

Submission:

3billion
Classification: Likely pathogenic for SPG11-related disorder. Last evaluated: 2025-01-27. Review status: criteria provided, single submitter. Criteria: ACMG Guidelines, 2015. Collection method: clinical testing. Allele origin: germline. Affected: yes.
Comment: The variant is not observed in the gnomAD v4.1.0 dataset. Predicted Consequence/Location: Frameshift: predicted to result in a loss or disruption of normal protein function through nonsense-mediated decay (NMD) or protein truncation. Multiple pathogenic variants are reported downstream of the variant. Therefore, this variant is classified as Likely pathogenic according to the recommendation of ACMG/AMP guideline.